The following is an entry in ClinVar:

ClinVar aggregate classification (germline): Uncertain significance. Review status: criteria provided, multiple submitters, no conflicts (2 of 4 stars). 2 submissions from 2 submitters: Uncertain significance (2). Last evaluated 2021-09-21.

Conditions:
Xanthinuria type II. Also called: Xanthine dehydrogenase and aldehyde oxidase combined deficiency of; XDH and AOX dual deficiency. Identifiers: Orphanet 3467, Orphanet 93602, MedGen C1863688, MONDO:0011346, OMIM 603592.

Allele frequency attached by ClinVar (database versions not stated): gnomAD exomes below 0.00001 and 0.00001; ExAC 0.00001.

Submissions (2):

Fulgent Genetics
Classification: Uncertain significance for Xanthinuria type II. Last evaluated: 2021-09-21. Review status: criteria provided, single submitter. Criteria: ACMG Guidelines, 2015. Collection method: clinical testing. Allele origin: unknown.

Labcorp Genetics (formerly Invitae), Labcorp
Classification: Uncertain significance for Xanthinuria type II. Last evaluated: 2018-05-17. Review status: criteria provided, single submitter. Criteria: Invitae Variant Classification Sherloc (09022015). Collection method: clinical testing. Allele origin: germline.
Comment: In summary, the available evidence is currently insufficient to determine the role of this variant in disease. Therefore, it has been classified as a Variant of Uncertain Significance. Algorithms developed to predict the effect of missense changes on protein structure and function (SIFT, PolyPhen-2, Align-GVGD) all suggest that this variant is likely to be tolerated, but these predictions have not been confirmed by published functional studies and their clinical significance is uncertain. This variant has not been reported in the literature in individuals with MOCOS-related disease. The frequency data for this variant in the population databases is considered unreliable, as metrics indicate poor data quality at this position in the ExAC database. This sequence change replaces glutamine with glutamic acid at codon 803 of the MOCOS protein (p.Gln803Glu). The glutamine residue is moderately conserved and there is a small physicochemical difference between glutamine and glutamic acid.

NM_017947.4(MOCOS):c.2407C>G (p.Gln803Glu)

Gene: MOCOS (molybdenum cofactor sulfurase; plus strand). Cytogenetic location: 18q12.2.
Variant type: single nucleotide variant.
Coding change: c.2407C>G on transcript NM_017947.4 (MANE Select); coding-DNA position 2407, C replaced by G.
Protein change: p.Gln803Glu; replaces glutamine 803 with glutamic acid.
Molecular consequence: missense variant.
Genome position (GRCh38, 1-based): chr18:36,260,173, C>G. VCF-style: chr18-36260173-C-G. GRCh37 (hg19) VCF-style: chr18-33840136-C-G.
Other names: short protein forms Q803E.
Identifiers: ClinVar variation 566864 (VCV000566864.9), dbSNP rs774534818, ClinGen allele CA8941035.